The following is an entry in ClinVar:

ClinVar aggregate classification (germline): Likely benign. Review status: criteria provided, multiple submitters, no conflicts (2 of 4 stars). 5 submissions from 5 submitters: Likely benign (5). Last evaluated 2025-07-01.

Conditions:
Inborn genetic diseases. Identifiers: MedGen C0950123, MeSH D030342.
Neuronal ceroid lipofuscinosis. Also called: Neuronal Ceroid Lipofuscinoses. Identifiers: Orphanet 216, Orphanet 79263, MedGen C0027877, MONDO:0016295. Disease mechanism: loss of function.
Ceroid lipofuscinosis, neuronal, 4 (Kufs type) (CLN4). Also called: Ceroid lipofuscinosis, neuronal, 4, Parry type; Neuronal ceroid lipofuscinosis 4B. Identifiers: Orphanet 228343, Orphanet 79262, MedGen C1834207, MONDO:0008083, OMIM 162350.

Allele frequency attached by ClinVar (database versions not stated): ExAC below 0.00001; gnomAD 0.00001; gnomAD exomes 0.00001 and 0.00004; TOPMed 0.00001.
gnomAD v4.1: 57 of 1,583,524 alleles (0.0036%); highest among the groups gnomAD compares: Admixed American, 0.0052%; no homozygotes.

Submissions (5):

CeGaT Center for Human Genetics Tuebingen
Classification: Likely benign. Last evaluated: 2025-07-01. Review status: criteria provided, single submitter. Criteria: CeGaT Center For Human Genetics Tuebingen Variant Classification Criteria Version 2. Collection method: clinical testing. Allele origin: germline. Affected: yes. Observed: 2 variant alleles.
Comment: DNAJC5: BP4, BP7

Labcorp Genetics (formerly Invitae), Labcorp
Classification: Likely benign for Neuronal ceroid lipofuscinosis. Last evaluated: 2025-01-22. Review status: criteria provided, single submitter. Criteria: Invitae Variant Classification Sherloc (09022015). Collection method: clinical testing. Allele origin: germline.

Fulgent Genetics
Classification: Likely benign for Ceroid lipofuscinosis, neuronal, 4 (Kufs type). Last evaluated: 2021-07-26. Review status: criteria provided, single submitter. Criteria: ACMG Guidelines, 2015. Collection method: clinical testing. Allele origin: unknown.

GeneDx
Classification: Likely benign. Last evaluated: 2019-06-17. Review status: criteria provided, single submitter. Criteria: GeneDx Variant Classification Process June 2021. Collection method: clinical testing. Allele origin: germline. Affected: yes.

Ambry Genetics
Classification: Likely benign for Inborn genetic diseases. Last evaluated: 2016-07-28. Review status: criteria provided, single submitter. Criteria: Ambry Variant Classification Scheme 2023. Collection method: clinical testing. Allele origin: germline.

NM_025219.3(DNAJC5):c.561C>T (p.Asp187=)

Gene: DNAJC5 (DnaJ heat shock protein family (Hsp40) member C5; plus strand). Cytogenetic location: 20q13.33.
Variant type: single nucleotide variant.
Coding change: c.561C>T on transcript NM_025219.3 (MANE Select); coding-DNA position 561, C replaced by T.
Protein change: p.Asp187=; no amino-acid change (aspartic acid 187 retained).
Molecular consequence: synonymous variant.
Genome position (GRCh38, 1-based): chr20:63,931,532, C>T. VCF-style: chr20-63931532-C-T. GRCh37 (hg19) VCF-style: chr20-62562885-C-T.
Identifiers: ClinVar variation 413345 (VCV000413345.34), dbSNP rs776807695, ClinGen allele CA9969809.